The following is an entry in ClinVar:

NM_181503.3(EXOSC8):c.259delinsTGG (p.Pro87fs)

Gene: EXOSC8 (exosome component 8; plus strand). Cytogenetic location: 13q13.3.
Variant type: Indel.
Coding change: c.259delinsTGG on transcript NM_181503.3 (MANE Select); coding-DNA position 259, C replaced by TGG.
Protein change: p.Pro87fs; shifts the reading frame from proline 87.
Molecular consequence: frameshift variant.
Genome position (GRCh38, 1-based): chr13:37,005,940, C replaced by TGG. VCF-style: chr13-37005940-C-TGG. GRCh37 (hg19) VCF-style: chr13-37580077-C-TGG.
Other names: short protein forms P87fs.
Identifiers: ClinVar variation 4845689 (VCV004845689.1).

ClinVar aggregate classification (germline): Likely pathogenic (1 of 4 stars; one submission).

Conditions:
Pontocerebellar hypoplasia, type 1C. Also called: HYPOMYELINATION WITH SPINAL MUSCULAR ATROPHY AND CEREBELLAR HYPOPLASIA. Identifiers: Orphanet 2254, MedGen C4015160, MONDO:0014485, OMIM 616081.

Submission:

First Genomix Gene Laboratory, Genetic Diagnostics Department
Classification: Likely pathogenic for Pontocerebellar hypoplasia, type 1C. Last evaluated: 2025-02-04. Review status: criteria provided, single submitter. Criteria: ACMG Guidelines, 2015. Collection method: clinical testing. Allele origin: germline. Inheritance: Autosomal recessive inheritance. Affected: no. Observed: 1 variant allele.